The following is an entry in ClinVar:

ClinVar aggregate classification (germline): Uncertain significance (1 of 4 stars; one submission).

Allele frequency attached by ClinVar (database versions not stated): gnomAD exomes 0.00002 and 0.00004; ExAC 0.00013; ESP Exome Variant Server 0.00016.
gnomAD v4.1: 23 of 1,565,620 alleles (0.0015%); highest among the groups gnomAD compares: South Asian, 0.0047%; no homozygotes.

Submission:

GeneDx
Classification: Uncertain significance. Last evaluated: 2021-05-29. Review status: criteria provided, single submitter. Criteria: GeneDx Variant Classification Process June 2021. Collection method: clinical testing. Allele origin: germline. Affected: yes.
Comment: In silico analysis supports that this missense variant has a deleterious effect on protein structure/function; Has not been previously published as pathogenic or benign to our knowledge; This variant is associated with the following publications: (PMID: 27535533)

NM_004826.4(ECEL1):c.2035G>A (p.Gly679Ser)

Gene: ECEL1 (endothelin converting enzyme like 1; minus strand). Cytogenetic location: 2q37.1.
Variant type: single nucleotide variant.
Coding change: c.2035G>A on transcript NM_004826.4 (MANE Select); coding-DNA position 2035, G replaced by A.
Protein change: p.Gly679Ser; replaces glycine 679 with serine.
Molecular consequence: missense variant.
Genome position (GRCh38, 1-based): chr2:232,481,111, C>T on the plus strand (G>A on the coding strand, the complement: ECEL1 is on the minus strand). VCF-style: chr2-232481111-C-T. GRCh37 (hg19) VCF-style: chr2-233345821-C-T.
Other names: c.2029G>A, p.Gly677Ser (NM_001290787.2); short protein forms G677S, G679S.
Identifiers: ClinVar variation 1327709 (VCV001327709.2), dbSNP rs150549103, ClinGen allele CA2166982.